The following is an entry in ClinVar:

NM_182925.5(FLT4):c.2433C>A (p.Gly811=)

Genes: FLT4 (fms related receptor tyrosine kinase 4; minus strand), LOC126807632 (CDK7 strongly-dependent group 2 enhancer GRCh37_chr5:180046831-180048030; plus strand). Cytogenetic location: 5q35.3.
Variant type: single nucleotide variant.
Coding change: c.2433C>A on transcript NM_182925.5 (MANE Select); coding-DNA position 2433, C replaced by A.
Protein change: p.Gly811=; no amino-acid change (glycine 811 retained).
Molecular consequence: synonymous variant.
Genome position (GRCh38, 1-based): chr5:180,620,282, G>T on the plus strand (C>A on the coding strand, the complement: FLT4 is on the minus strand). VCF-style: chr5-180620282-G-T. GRCh37 (hg19) VCF-style: chr5-180047282-G-T.
Other names: KM484817; c.2433C>A, p.Gly811= (NM_001354989.2, NM_002020.5).
Identifiers: ClinVar variation 204348 (VCV000204348.3), dbSNP rs796052105, ClinGen allele CA251286.

ClinVar aggregate classification (germline): Uncertain significance (0 of 4 stars; one submission).

Conditions:
Carcinoma of colon (CRC). Also called: Colonic carcinoma; Colon carcinoma. Identifiers: MedGen C0699790, MONDO:0002032.

Allele frequency attached by ClinVar (database versions not stated): gnomAD exomes below 0.00001.
gnomAD v4.1: 1 of 1,612,078 alleles (0.000062%); highest among the groups gnomAD compares: Admixed American, 0.0017%; no homozygotes.

Submission:

Immunobiology Lab; University of Kashmir
Classification: Uncertain significance for Carcinoma of colon. Last evaluated: 2015-01-24. Review status: no assertion criteria provided. Collection method: case-control. Allele origin: somatic. Affected: yes. Study: Mutational Hotspot profiling of Tyrosine Kinase domain of VEGF receptors in Human colorectal tumors.
Comment: The variation(s) were confirmed by double pass sequencing of PCR products amplified from genomic DNA of colonic lesions fron colorectal patients